The following is an entry in ClinVar:

NM_152263.4(TPM3):c.494A>C (p.Glu165Ala)

Gene: TPM3 (tropomyosin 3; minus strand). Cytogenetic location: 1q21.3.
Variant type: single nucleotide variant.
Coding change: c.494A>C on transcript NM_152263.4 (MANE Select); coding-DNA position 494, A replaced by C.
Protein change: p.Glu165Ala; replaces glutamic acid 165 with alanine.
Molecular consequence: missense variant. On other transcripts: non-coding transcript variant (1).
Genome position (GRCh38, 1-based): chr1:154,173,085, T>G on the plus strand (A>C on the coding strand, the complement: TPM3 is on the minus strand). VCF-style: chr1-154173085-T-G. GRCh37 (hg19) VCF-style: chr1-154145561-T-G.
Other names: c.383A>C, p.Glu128Ala (NM_001043351.2, NM_001364683.1, NM_153649.4 and 5 more transcripts); c.494A>C, p.Glu165Ala (NM_001364682.1, NM_001364679.2, NM_001364680.2 and 1 more transcripts); c.185A>C, p.Glu62Ala (NM_001278188.2); c.113A>C, p.Glu38Ala (NM_001278191.2); short protein forms E165A, E62A, E38A, E128A.
Identifiers: ClinVar variation 4788779 (VCV004788779.1).

ClinVar aggregate classification (germline): Uncertain significance (1 of 4 stars; one submission).

Conditions:
Congenital myopathy 4B, autosomal recessive. Also called: Nemaline myopathy 1, autosomal dominant or recessive. Identifiers: Orphanet 171433, Orphanet 171439, Orphanet 171881, MedGen C5829889, MONDO:0012239, OMIM 609284.
Congenital myopathy with fiber type disproportion. Also called: Congenital fiber-type disproportion; Congenital fiber-type disproportion myopathy. Identifiers: Orphanet 2020, MedGen C0546264, MONDO:0009711. Inheritance: all.

Submission:

Labcorp Genetics (formerly Invitae), Labcorp
Classification: Uncertain significance for Congenital myopathy with fiber type disproportion; Congenital myopathy 4B, autosomal recessive. Last evaluated: 2025-04-10. Review status: criteria provided, single submitter. Criteria: Invitae Variant Classification Sherloc (09022015). Collection method: clinical testing. Allele origin: germline.
Comment: This sequence change replaces glutamic acid, which is acidic and polar, with alanine, which is neutral and non-polar, at codon 165 of the TPM3 protein (p.Glu165Ala). This variant is not present in population databases (gnomAD no frequency). This variant has not been reported in the literature in individuals affected with TPM3-related conditions. An algorithm developed to predict the effect of missense changes on protein structure and function (PolyPhen-2) suggests that this variant is likely to be disruptive. In summary, the available evidence is currently insufficient to determine the role of this variant in disease. Therefore, it has been classified as a Variant of Uncertain Significance.